The following is an entry in ClinVar:

NM_002235.5(KCNA6):c.1006_1023del (p.Met336_Leu341del)

Genes: KCNA6 (potassium voltage-gated channel subfamily A member 6; plus strand), KCNA6-AS1 (KCNA6 antisense RNA 1; minus strand). Cytogenetic location: 12p13.32.
Variant type: Deletion.
Coding change: c.1006_1023del on transcript NM_002235.5 (MANE Select); coding-DNA positions 1006 to 1023, 18 bases deleted (ATGTCCCTGGCCATCCTC).
Protein change: p.Met336_Leu341del.
Molecular consequence: inframe deletion. On other transcripts: non-coding transcript variant (3).
Genome position (GRCh38, 1-based): chr12:4,811,047-4,811,064, ATGTCCCTGGCCATCCTC deleted; deleting any 18 consecutive bases within chr12:4,811,046-4,811,064 gives the same sequence; the c. name uses the placement nearest the transcript's 3' end. VCF-style (leftmost placement, unchanged base first): chr12-4811045-CCATGTCCCTGGCCATCCT-C. GRCh37 (hg19) VCF-style: chr12-4920211-CCATGTCCCTGGCCATCCT-C.
Identifiers: ClinVar variation 5007929 (VCV005007929.1).

ClinVar aggregate classification (germline): Uncertain significance (1 of 4 stars; one submission).

Submission:

GeneDx
Classification: Uncertain significance. Last evaluated: 2026-02-26. Review status: criteria provided, single submitter. Criteria: GeneDx Variant Classification Process June 2021. Collection method: clinical testing. Allele origin: germline.
Comment: Not observed at significant frequency in large population cohorts (gnomAD); In-frame deletion of 6 amino acid(s) in a non-repeat region; In silico analysis supports a deleterious effect on protein structure/function; Has not been previously published as pathogenic or benign to our knowledge